The following is an entry in ClinVar:

NM_002457.5(MUC2):c.11739C>A (p.Gly3913=)

Gene: MUC2 (mucin 2, oligomeric mucus/gel-forming; plus strand). Cytogenetic location: 11p15.5.
Variant type: single nucleotide variant.
Coding change: c.11739C>A on transcript NM_002457.5 (MANE Select); coding-DNA position 11739, C replaced by A.
Protein change: p.Gly3913=; no amino-acid change (glycine 3913 retained).
Molecular consequence: synonymous variant.
Genome position (GRCh38, 1-based): chr11:1,099,073, C>A. VCF-style: chr11-1099073-C-A. GRCh37 (hg19) VCF-style: chr11-1092981-C-A.
Identifiers: ClinVar variation 2641134 (VCV002641134.24), dbSNP rs2493891280, ClinGen allele CA472380468.

ClinVar aggregate classification (germline): Likely benign (1 of 4 stars; one submission).

Submission:

CeGaT Center for Human Genetics Tuebingen
Classification: Likely benign. Last evaluated: 2023-03-01. Review status: criteria provided, single submitter. Criteria: CeGaT Center For Human Genetics Tuebingen Variant Classification Criteria Version 2. Collection method: clinical testing. Allele origin: germline. Affected: yes. Observed: 1 variant allele.
Comment: MUC2: BP4, BP7